The following is an entry in ClinVar:

NM_005245.4(FAT1):c.4742T>C (p.Val1581Ala)

Gene: FAT1 (FAT atypical cadherin 1; minus strand). Cytogenetic location: 4q35.2.
Variant type: single nucleotide variant.
Coding change: c.4742T>C on transcript NM_005245.4 (MANE Select); coding-DNA position 4742, T replaced by C.
Protein change: p.Val1581Ala; replaces valine 1581 with alanine.
Molecular consequence: missense variant.
Genome position (GRCh38, 1-based): chr4:186,628,222, A>G on the plus strand (T>C on the coding strand, the complement: FAT1 is on the minus strand). VCF-style: chr4-186628222-A-G. GRCh37 (hg19) VCF-style: chr4-187549376-A-G.
Other names: short protein forms V1581A.
Identifiers: ClinVar variation 3900470 (VCV003900470.1).

ClinVar aggregate classification (germline): Uncertain significance (1 of 4 stars; one submission).

gnomAD v4.1: 9 of 1,613,818 alleles (0.00056%); highest among the groups gnomAD compares: Middle Eastern, 0.066%; no homozygotes.

Submission:

GeneDx
Classification: Uncertain significance. Last evaluated: 2024-11-20. Review status: criteria provided, single submitter. Criteria: GeneDx Variant Classification Process June 2021. Collection method: clinical testing. Allele origin: germline. Affected: yes.
Comment: Not observed at significant frequency in large population cohorts (gnomAD); In silico analysis supports that this missense variant has a deleterious effect on protein structure/function; Has not been previously published as pathogenic or benign to our knowledge